The following is an entry in ClinVar:

NM_000037.4(ANK1):c.3013G>A (p.Glu1005Lys)

Gene: ANK1 (ankyrin 1; minus strand). Cytogenetic location: 8p11.21.
Variant type: single nucleotide variant.
Coding change: c.3013G>A on transcript NM_000037.4 (MANE Select); coding-DNA position 3013, G replaced by A.
Protein change: p.Glu1005Lys; replaces glutamic acid 1005 with lysine.
Molecular consequence: missense variant.
Genome position (GRCh38, 1-based): chr8:41,695,279, C>T on the plus strand (G>A on the coding strand, the complement: ANK1 is on the minus strand). VCF-style: chr8-41695279-C-T. GRCh37 (hg19) VCF-style: chr8-41552797-C-T.
Other names: c.3136G>A, p.Glu1046Lys (NM_001142446.2); c.3013G>A, p.Glu1005Lys (NM_020475.3, NM_020476.3, NM_020477.3); c.3013G>A (NM_000037.3); short protein forms E1005K, E1046K.
Identifiers: ClinVar variation 3618888 (VCV003618888.3).

ClinVar aggregate classification (germline): Uncertain significance. Review status: criteria provided, multiple submitters, no conflicts (2 of 4 stars). 2 submissions from 2 submitters: Uncertain significance (2). Last evaluated 2024-12-11.

Conditions:
Inborn genetic diseases. Identifiers: MedGen C0950123, MeSH D030342.

gnomAD v4.1: 39 of 1,613,962 alleles (0.0024%); highest among the groups gnomAD compares: Non-Finnish European, 0.003%; no homozygotes.

Submissions (2):

Ambry Genetics
Classification: Uncertain significance for Inborn genetic diseases. Last evaluated: 2024-12-11. Review status: criteria provided, single submitter. Criteria: Ambry Variant Classification Scheme 2023. Collection method: clinical testing. Allele origin: germline.

Labcorp Genetics (formerly Invitae), Labcorp
Classification: Uncertain significance. Last evaluated: 2024-07-06. Review status: criteria provided, single submitter. Criteria: Invitae Variant Classification Sherloc (09022015). Collection method: clinical testing. Allele origin: germline.
Comment: This sequence change replaces glutamic acid, which is acidic and polar, with lysine, which is basic and polar, at codon 1005 of the ANK1 protein (p.Glu1005Lys). This variant is present in population databases (rs770510949, gnomAD 0.004%). This missense change has been observed in individual(s) with ANK1-related conditions (PMID: 29559519). This variant is also known as c.3136 G>A (p.Glu1046Lys). Advanced modeling of protein sequence and biophysical properties (such as structural, functional, and spatial information, amino acid conservation, physicochemical variation, residue mobility, and thermodynamic stability) performed at Invitae indicates that this missense variant is expected to disrupt ANK1 protein function with a positive predictive value of 80%. In summary, the available evidence is currently insufficient to determine the role of this variant in disease. Therefore, it has been classified as a Variant of Uncertain Significance.

Literature cited by the submitters: PubMed 29559519 (cited by Labcorp Genetics (formerly Invitae), Labcorp).